The following is an entry in ClinVar:

NM_000391.4(TPP1):c.1681C>G (p.Leu561Val)

Gene: TPP1 (tripeptidyl peptidase 1; minus strand). Cytogenetic location: 11p15.4.
Variant type: single nucleotide variant.
Coding change: c.1681C>G on transcript NM_000391.4 (MANE Select); coding-DNA position 1681, C replaced by G.
Protein change: p.Leu561Val; replaces leucine 561 with valine.
Molecular consequence: missense variant.
Genome position (GRCh38, 1-based): chr11:6,614,557, G>C on the plus strand (C>G on the coding strand, the complement: TPP1 is on the minus strand). VCF-style: chr11-6614557-G-C. GRCh37 (hg19) VCF-style: chr11-6635788-G-C.
Other names: short protein forms L561V.
Identifiers: ClinVar variation 1422837 (VCV001422837.5), dbSNP rs566120191, ClinGen allele CA379471938.

ClinVar aggregate classification (germline): Uncertain significance (1 of 4 stars; one submission).

Submission:

Labcorp Genetics (formerly Invitae), Labcorp
Classification: Uncertain significance. Last evaluated: 2021-08-27. Review status: criteria provided, single submitter. Criteria: Invitae Variant Classification Sherloc (09022015). Collection method: clinical testing. Allele origin: germline.
Comment: This sequence change replaces leucine with valine at codon 561 of the TPP1 protein (p.Leu561Val). The leucine residue is moderately conserved and there is a small physicochemical difference between leucine and valine. This variant is not present in population databases (ExAC no frequency). This variant has not been reported in the literature in individuals affected with TPP1-related conditions. Advanced modeling of protein sequence and biophysical properties (such as structural, functional, and spatial information, amino acid conservation, physicochemical variation, residue mobility, and thermodynamic stability) performed at Invitae indicates that this missense variant is not expected to disrupt TPP1 protein function. In summary, the available evidence is currently insufficient to determine the role of this variant in disease. Therefore, it has been classified as a Variant of Uncertain Significance.